The following is an entry in ClinVar:

ClinVar aggregate classification (germline): Uncertain significance (1 of 4 stars; one submission).

gnomAD v4.1: 28 of 1,610,982 alleles (0.0017%); highest among the groups gnomAD compares: South Asian, 0.0033%; no homozygotes.

Submission:

Labcorp Genetics (formerly Invitae), Labcorp
Classification: Uncertain significance. Last evaluated: 2025-09-01. Review status: criteria provided, single submitter. Criteria: Invitae Variant Classification Sherloc (09022015). Collection method: clinical testing. Allele origin: germline.
Comment: This sequence change replaces arginine, which is basic and polar, with tryptophan, which is neutral and slightly polar, at codon 466 of the ITSN2 protein (p.Arg466Trp). This variant is present in population databases (rs780927701, gnomAD 0.007%). This variant has not been reported in the literature in individuals affected with ITSN2-related conditions. Experimental studies and prediction algorithms are not available or were not evaluated, and the functional significance of this variant is currently unknown. In summary, the available evidence is currently insufficient to determine the role of this variant in disease. Therefore, it has been classified as a Variant of Uncertain Significance.

NM_006277.3(ITSN2):c.1396C>T (p.Arg466Trp)

Gene: ITSN2 (intersectin 2; minus strand). Cytogenetic location: 2p23.3.
Variant type: single nucleotide variant.
Coding change: c.1396C>T on transcript NM_006277.3 (MANE Select); coding-DNA position 1396, C replaced by T.
Protein change: p.Arg466Trp; replaces arginine 466 with tryptophan.
Molecular consequence: missense variant.
Genome position (GRCh38, 1-based): chr2:24,298,763, G>A on the plus strand (C>T on the coding strand, the complement: ITSN2 is on the minus strand). VCF-style: chr2-24298763-G-A. GRCh37 (hg19) VCF-style: chr2-24521632-G-A.
Other names: c.1354C>T, p.Arg452Trp (NM_001348181.2, NM_001348184.2); c.1396C>T, p.Arg466Trp (NM_001348182.2, NM_001348183.2, NM_001348185.2 and 3 more transcripts); short protein forms R452W, R466W.
Identifiers: ClinVar variation 4748812 (VCV004748812.1).